The following is an entry in ClinVar:

ClinVar aggregate classification (germline): Likely benign. Review status: criteria provided, multiple submitters, no conflicts (2 of 4 stars). 4 submissions from 4 submitters: Likely benign (4). Last evaluated 2026-02-04.

Conditions:
Severe combined immunodeficiency due to DNA-PKcs deficiency. Also called: Immunodeficiency 26 with or without neurologic abnormalities; IMMUNODEFICIENCY 26 WITH NEUROLOGIC ABNORMALITIES. Identifiers: Orphanet 317425, MedGen C4014833, MONDO:0014423, OMIM 615966.

Allele frequency attached by ClinVar (database versions not stated): gnomAD 0.00014 and 0.00015; TOPMed 0.00015; gnomAD exomes 0.00016; ExAC 0.00019; ESP Exome Variant Server 0.00025; 1000 Genomes Project 30x 0.00031; 1000 Genomes Project 0.00040.
gnomAD v4.1: 210 of 1,613,804 alleles (0.013%); highest among the groups gnomAD compares: Middle Eastern, 0.51%; 2 homozygotes.

Submissions (4):

Labcorp Genetics (formerly Invitae), Labcorp
Classification: Likely benign for Severe combined immunodeficiency due to DNA-PKcs deficiency. Last evaluated: 2026-02-04. Review status: criteria provided, single submitter. Criteria: Invitae Variant Classification Sherloc (09022015). Collection method: clinical testing. Allele origin: germline.

CeGaT Center for Human Genetics Tuebingen
Classification: Likely benign. Last evaluated: 2024-12-01. Review status: criteria provided, single submitter. Criteria: CeGaT Center For Human Genetics Tuebingen Variant Classification Criteria Version 2. Collection method: clinical testing. Allele origin: germline. Affected: yes. Observed: 2 variant alleles.
Comment: PRKDC: BP4, BP7

Blueprint Genetics
Classification: Likely benign. Last evaluated: 2024-10-17. Review status: criteria provided, single submitter. Criteria: ACMG Guidelines, 2015. Collection method: clinical testing. Allele origin: germline.

Breakthrough Genomics
Classification: Likely benign. Review status: criteria provided, single submitter. Criteria: ACMG Guidelines, 2015. Collection method: not provided. Allele origin: germline. Inheritance: Autosomal recessive inheritance. Affected: yes.

NM_006904.7(PRKDC):c.10014G>A (p.Ala3338=)

Gene: PRKDC (protein kinase, DNA-activated, catalytic subunit; minus strand). Cytogenetic location: 8q11.21.
Variant type: single nucleotide variant.
Coding change: c.10014G>A on transcript NM_006904.7 (MANE Select); coding-DNA position 10014, G replaced by A.
Protein change: p.Ala3338=; no amino-acid change (alanine 3338 retained).
Molecular consequence: synonymous variant.
Genome position (GRCh38, 1-based): chr8:47,800,895, C>T on the plus strand (G>A on the coding strand, the complement: PRKDC is on the minus strand). VCF-style: chr8-47800895-C-T. GRCh37 (hg19) VCF-style: chr8-48713456-C-T.
Other names: c.10014G>A, p.Ala3338= (NM_001081640.2).
Identifiers: ClinVar variation 748227 (VCV000748227.25), dbSNP rs56013236, ClinGen allele CA4739421.